The following is an entry in ClinVar:

NM_014264.5(PLK4):c.2665A>G (p.Lys889Glu)

Gene: PLK4 (polo like kinase 4; plus strand). Cytogenetic location: 4q28.1.
Variant type: single nucleotide variant.
Coding change: c.2665A>G on transcript NM_014264.5 (MANE Select); coding-DNA position 2665, A replaced by G.
Protein change: p.Lys889Glu; replaces lysine 889 with glutamic acid.
Molecular consequence: missense variant.
Genome position (GRCh38, 1-based): chr4:127,895,055, A>G. VCF-style: chr4-127895055-A-G. GRCh37 (hg19) VCF-style: chr4-128816210-A-G.
Other names: c.2569A>G, p.Lys857Glu (NM_001190799.2); c.2542A>G, p.Lys848Glu (NM_001190801.2); short protein forms K848E, K857E, K889E.
Identifiers: ClinVar variation 1466923 (VCV001466923.7), dbSNP rs910445478, ClinGen allele CA105643044.

ClinVar aggregate classification (germline): Uncertain significance (1 of 4 stars; one submission).

Allele frequency attached by ClinVar (database versions not stated): gnomAD exomes below 0.00001; TOPMed below 0.00001; gnomAD 0.00001.
gnomAD v4.1: 1 of 1,612,540 alleles (0.000062%); highest among the groups gnomAD compares: African/African-American, 0.0013%; no homozygotes.

Submission:

Labcorp Genetics (formerly Invitae), Labcorp
Classification: Uncertain significance. Last evaluated: 2024-10-28. Review status: criteria provided, single submitter. Criteria: Invitae Variant Classification Sherloc (09022015). Collection method: clinical testing. Allele origin: germline.
Comment: This sequence change replaces lysine, which is basic and polar, with glutamic acid, which is acidic and polar, at codon 889 of the PLK4 protein (p.Lys889Glu). This variant is present in population databases (no rsID available, gnomAD 0.008%). This variant has not been reported in the literature in individuals affected with PLK4-related conditions. ClinVar contains an entry for this variant (Variation ID: 1466923). An algorithm developed to predict the effect of missense changes on protein structure and function (PolyPhen-2) suggests that this variant is likely to be disruptive. In summary, the available evidence is currently insufficient to determine the role of this variant in disease. Therefore, it has been classified as a Variant of Uncertain Significance.